The following is an entry in ClinVar:

ClinVar aggregate classification (germline): Uncertain significance (1 of 4 stars; one submission).

Submission:

GeneDx
Classification: Uncertain significance. Last evaluated: 2025-03-05. Review status: criteria provided, single submitter. Criteria: GeneDx Variant Classification Process June 2021. Collection method: clinical testing. Allele origin: germline. Affected: yes.
Comment: Not observed at significant frequency in large population cohorts (gnomAD); In silico analysis supports that this missense variant has a deleterious effect on protein structure/function; Has not been previously published as pathogenic or benign to our knowledge

NM_001009944.3(PKD1):c.2831G>T (p.Arg944Leu)

Gene: PKD1 (polycystin 1, transient receptor potential channel interacting; minus strand). Cytogenetic location: 16p13.3.
Variant type: single nucleotide variant.
Coding change: c.2831G>T on transcript NM_001009944.3 (MANE Select); coding-DNA position 2831, G replaced by T.
Protein change: p.Arg944Leu; replaces arginine 944 with leucine.
Molecular consequence: missense variant.
Genome position (GRCh38, 1-based): chr16:2,114,192, C>A on the plus strand (G>T on the coding strand, the complement: PKD1 is on the minus strand). VCF-style: chr16-2114192-C-A. GRCh37 (hg19) VCF-style: chr16-2164193-C-A.
Other names: c.2831G>T, p.Arg944Leu (NM_000296.4); short protein forms R944L.
Identifiers: ClinVar variation 4082741 (VCV004082741.1).
Genomic context (GRCh38, chr16:2,114,192, plus strand): 5'-TGCCTGGGGGCTGGTGGTGGAGCCTCGGCCATACTCACCACTAGGACTCCCTGCAGTACA[C>A]GGGCCTCGGGGCTGGGCGTGGCGCGGAGGCCACAGATGGGCTCCTCCGCCGTCACCCGCA-3'
Protein context (NP_001009944.3, residues 934-954): GLRATPSPEA[Arg944Leu]VLQGVLVRYS